The following is an entry in ClinVar:

ClinVar aggregate classification (germline): Likely pathogenic. Review status: criteria provided, single submitter (1 of 4 stars). 2 submissions from 2 submitters: Likely pathogenic (1). 1 of the submissions does not count toward it. Last evaluated 2023-04-11.

Conditions:
Usher syndrome type 1F (USH1F). Also called: USHER SYNDROME, TYPE IF. Identifiers: Orphanet 231169, Orphanet 886, MedGen C1865885, MONDO:0011186, OMIM 602083.

Submissions (2):

Labcorp Genetics (formerly Invitae), Labcorp
Classification: Likely pathogenic. Last evaluated: 2023-04-11. Review status: criteria provided, single submitter. Criteria: Invitae Variant Classification Sherloc (09022015). Collection method: clinical testing. Allele origin: germline.
Comment: In summary, the currently available evidence indicates that the variant is pathogenic, but additional data are needed to prove that conclusively. Therefore, this variant has been classified as Likely Pathogenic. Algorithms developed to predict the effect of sequence changes on RNA splicing suggest that this variant may disrupt the consensus splice site. ClinVar contains an entry for this variant (Variation ID: 558517). This variant has not been reported in the literature in individuals affected with PCDH15-related conditions. This variant is not present in population databases (gnomAD no frequency). This sequence change affects a donor splice site in intron 15 of the PCDH15 gene. It is expected to disrupt RNA splicing. Variants that disrupt the donor or acceptor splice site typically lead to a loss of protein function (PMID: 16199547), and loss-of-function variants in PCDH15 are known to be pathogenic (PMID: 11398101, 11487575, 14570705).

Counsyl
Classification: Likely pathogenic for Usher syndrome type 1F. Last evaluated: 2018-05-24. Review status: no assertion criteria provided. Collection method: clinical testing. Allele origin: unknown. Not counted in ClinVar's aggregate classification.

Literature cited by the submitters: PubMed 16199547 (cited by Labcorp Genetics (formerly Invitae), Labcorp); PubMed 11398101 (cited by Labcorp Genetics (formerly Invitae), Labcorp); PubMed 11487575 (cited by Labcorp Genetics (formerly Invitae), Labcorp); PubMed 14570705 (cited by Labcorp Genetics (formerly Invitae), Labcorp).

NM_001384140.1(PCDH15):c.1917+2T>C

Gene: PCDH15 (protocadherin related 15; minus strand). Cytogenetic location: 10q21.1.
Variant type: single nucleotide variant.
Coding change: c.1917+2T>C on transcript NM_001384140.1 (MANE Select); the canonical splice donor site of the intron after coding-DNA position 1917, T replaced by C.
Molecular consequence: splice donor variant. On other transcripts: intron variant (1).
Genome position (GRCh38, 1-based): chr10:54,132,873, A>G on the plus strand (T>C on the coding strand, the complement: PCDH15 is on the minus strand). VCF-style: chr10-54132873-A-G. GRCh37 (hg19) VCF-style: chr10-55892633-A-G.
Other names: c.1917+2T>C (NM_001354420.2, NM_001354429.2, NM_001142772.2 and 5 more transcripts); c.1932+2T>C (NM_001142771.2, NM_001142763.2); c.1938+2T>C (NM_001354411.2); c.1953+2T>C (NM_001142769.3); c.1851+2T>C (NM_001354404.2, NM_001142773.2, NM_001142768.2); c.1806+2T>C (NM_001142767.2); c.1784+20227T>C (NM_001142765.2).
Identifiers: ClinVar variation 558517 (VCV000558517.5), dbSNP rs1554806149, ClinGen allele CA376514780.